The following is an entry in ClinVar:

ClinVar aggregate classification (germline): Uncertain significance (1 of 4 stars; one submission).

Submission:

Greenwood Genetic Center Diagnostic Laboratories, Greenwood Genetic Center
Classification: Uncertain significance. Last evaluated: 2021-12-29. Review status: criteria provided, single submitter. Criteria: ACMG Guidelines, 2015. Collection method: clinical testing. Allele origin: germline. Affected: yes.
Comment: PM2

NM_005765.3(ATP6AP2):c.534+55A>G

Gene: ATP6AP2 (ATPase H+ transporting accessory protein 2; plus strand). Cytogenetic location: Xp11.4.
Variant type: single nucleotide variant.
Coding change: c.534+55A>G on transcript NM_005765.3 (MANE Select); 55 bases into the intron after coding-DNA position 534, A replaced by G.
Molecular consequence: intron variant.
Genome position (GRCh38, 1-based): chrX:40,597,719, A>G. VCF-style: chrX-40597719-A-G. GRCh37 (hg19) VCF-style: chrX-40456971-A-G.
Identifiers: ClinVar variation 1334680 (VCV001334680.4), dbSNP rs2146542787, ClinGen allele CA2573055314.